The following is an entry in ClinVar:

ClinVar aggregate classification (germline): Conflicting classifications of pathogenicity. Review status: criteria provided, conflicting classifications (1 of 4 stars). 2 submissions from 2 submitters: Uncertain significance (1); Likely benign (1). Last evaluated 2024-06-20.

Allele frequency attached by ClinVar (database versions not stated): TOPMed 0.00002; gnomAD 0.00003.
gnomAD v4.1: 12 of 1,613,306 alleles (0.00074%); highest among the groups gnomAD compares: African/African-American, 0.008%; no homozygotes.

Submissions (2):

Labcorp Genetics (formerly Invitae), Labcorp
Classification: Uncertain significance. Last evaluated: 2024-06-20. Review status: criteria provided, single submitter. Criteria: Invitae Variant Classification Sherloc (09022015). Collection method: clinical testing. Allele origin: germline.
Comment: This sequence change affects codon 415 of the COL11A1 mRNA. It is a 'silent' change, meaning that it does not change the encoded amino acid sequence of the COL11A1 protein. It affects a nucleotide within the consensus splice site. This variant is present in population databases (no rsID available, gnomAD 0.004%). This variant has not been reported in the literature in individuals affected with COL11A1-related conditions. ClinVar contains an entry for this variant (Variation ID: 386500). Algorithms developed to predict the effect of sequence changes on RNA splicing suggest that this variant is not likely to affect RNA splicing. In summary, the available evidence is currently insufficient to determine the role of this variant in disease. Therefore, it has been classified as a Variant of Uncertain Significance.

GeneDx
Classification: Likely benign. Last evaluated: 2016-05-19. Review status: criteria provided, single submitter. Criteria: GeneDx Variant Classification (06012015). Collection method: clinical testing. Allele origin: germline. Affected: yes.
Comment: This variant is considered likely benign or benign based on one or more of the following criteria: it is a conservative change, it occurs at a poorly conserved position in the protein, it is predicted to be benign by multiple in silico algorithms, and/or has population frequency not consistent with disease.

NM_001854.4(COL11A1):c.1245C>T (p.Ser415=)

Gene: COL11A1 (collagen type XI alpha 1 chain; minus strand). Cytogenetic location: 1p21.1.
Variant type: single nucleotide variant.
Coding change: c.1245C>T on transcript NM_001854.4 (MANE Select); coding-DNA position 1245, C replaced by T.
Protein change: p.Ser415=; no amino-acid change (serine 415 retained).
Molecular consequence: synonymous variant. On other transcripts: non-coding transcript variant (1), intron variant (1).
Genome position (GRCh38, 1-based): chr1:103,022,742, G>A on the plus strand (C>T on the coding strand, the complement: COL11A1 is on the minus strand). VCF-style: chr1-103022742-G-A. GRCh37 (hg19) VCF-style: chr1-103488298-G-A.
Other names: c.1128C>T, p.Ser376= (NM_001190709.2); c.1281C>T, p.Ser427= (NM_080629.3); c.898-973C>T (NM_080630.4).
Identifiers: ClinVar variation 386500 (VCV000386500.4), dbSNP rs371490794, ClinGen allele CA16603370.